The following is an entry in ClinVar:

ClinVar aggregate classification (germline): Uncertain significance (1 of 4 stars; one submission).

Submission:

Ambry Genetics
Classification: Uncertain significance. Last evaluated: 2025-12-12. Review status: criteria provided, single submitter. Criteria: Ambry Variant Classification Scheme 2023. Collection method: clinical testing. Allele origin: germline.
Comment: The p.Q102H variant (also known as c.306G>T), located in coding exon 1 of the GALNT12 gene, results from a G to T substitution at nucleotide position 306. The glutamine at codon 102 is replaced by histidine, an amino acid with highly similar properties. This amino acid position is conserved. In addition, this alteration is predicted to be tolerated by in silico analysis. Based on the available evidence, the clinical significance of this variant remains unclear.

NM_024642.5(GALNT12):c.306G>T (p.Gln102His)

Gene: GALNT12 (polypeptide N-acetylgalactosaminyltransferase 12; plus strand). Cytogenetic location: 9q22.33.
Variant type: single nucleotide variant.
Coding change: c.306G>T on transcript NM_024642.5 (MANE Select); coding-DNA position 306, G replaced by T.
Protein change: p.Gln102His; replaces glutamine 102 with histidine.
Molecular consequence: missense variant.
Genome position (GRCh38, 1-based): chr9:98,808,004, G>T. VCF-style: chr9-98808004-G-T. GRCh37 (hg19) VCF-style: chr9-101570286-G-T.
Other names: short protein forms Q102H.
Identifiers: ClinVar variation 4670638 (VCV004670638.1).